The following is an entry in ClinVar:

ClinVar aggregate classification (germline): Uncertain significance. Review status: criteria provided, multiple submitters, no conflicts (2 of 4 stars). 2 submissions from 2 submitters: Uncertain significance (2). Last evaluated 2025-12-03.

Conditions:
Hypertrophic cardiomyopathy 1 (CMH1). Also called: MYH7-Related Familial Hypertrophic Cardiomyopathy; Familial hypertrophic cardiomyopathy 1. Identifiers: MedGen C3495498, MONDO:0008647, OMIM 192600.

Allele frequency attached by ClinVar (database versions not stated): TOPMed below 0.00001; gnomAD 0.00001; gnomAD exomes 0.00002.
gnomAD v4.1: 24 of 1,551,476 alleles (0.0015%); highest among the groups gnomAD compares: Non-Finnish European, 0.002%; no homozygotes.

Submissions (2):

Ambry Genetics
Classification: Uncertain significance. Last evaluated: 2025-12-03. Review status: criteria provided, single submitter. Criteria: Ambry Variant Classification Scheme 2023. Collection method: clinical testing. Allele origin: germline.

Labcorp Genetics (formerly Invitae), Labcorp
Classification: Uncertain significance for Hypertrophic cardiomyopathy 1. Last evaluated: 2023-02-16. Review status: criteria provided, single submitter. Criteria: Invitae Variant Classification Sherloc (09022015). Collection method: clinical testing. Allele origin: germline.
Comment: In summary, the available evidence is currently insufficient to determine the role of this variant in disease. Therefore, it has been classified as a Variant of Uncertain Significance. Algorithms developed to predict the effect of missense changes on protein structure and function output the following: SIFT: "Not Available"; PolyPhen-2: "Benign"; Align-GVGD: "Not Available". The glutamic acid amino acid residue is found in multiple mammalian species, which suggests that this missense change does not adversely affect protein function. ClinVar contains an entry for this variant (Variation ID: 641363). This variant has not been reported in the literature in individuals affected with MYLK2-related conditions. This variant is not present in population databases (gnomAD no frequency). This sequence change replaces glycine, which is neutral and non-polar, with glutamic acid, which is acidic and polar, at codon 11 of the MYLK2 protein (p.Gly11Glu).

NM_033118.4(MYLK2):c.32G>A (p.Gly11Glu)

Gene: MYLK2 (myosin light chain kinase 2; plus strand). Cytogenetic location: 20q11.21.
Variant type: single nucleotide variant.
Coding change: c.32G>A on transcript NM_033118.4 (MANE Select); coding-DNA position 32, G replaced by A.
Protein change: p.Gly11Glu; replaces glycine 11 with glutamic acid.
Molecular consequence: missense variant.
Genome position (GRCh38, 1-based): chr20:31,819,612, G>A. VCF-style: chr20-31819612-G-A. GRCh37 (hg19) VCF-style: chr20-30407415-G-A.
Other names: short protein forms G11E.
Identifiers: ClinVar variation 641363 (VCV000641363.12), dbSNP rs1316397890, ClinGen allele CA408524772.